The following is an entry in ClinVar:

NM_001165963.4(SCN1A):c.4002+1967C>T

Genes: SCN1A (sodium voltage-gated channel alpha subunit 1; minus strand), LOC102724058 (uncharacterized LOC102724058; plus strand). Cytogenetic location: 2q24.3.
Variant type: single nucleotide variant.
Coding change: c.4002+1967C>T on transcript NM_001165963.4 (MANE Select); 1967 bases into the intron after coding-DNA position 4002, C replaced by T.
Molecular consequence: intron variant.
Genome position (GRCh38, 1-based): chr2:166,007,752, G>A on the plus strand (C>T on the coding strand, the complement: SCN1A is on the minus strand). VCF-style: chr2-166007752-G-A. GRCh37 (hg19) VCF-style: chr2-166864262-G-A.
Other names: c.3969+1967C>T (NM_001353951.2, NM_001353952.2, NM_006920.6 and 2 more transcripts); c.4002+1967C>T (NM_001353948.2, NM_001202435.3); c.3915+1967C>T (NM_001353960.2); c.3966+1967C>T (NM_001353954.2, NM_001353955.2); c.3918+1967C>T (NM_001165964.3, NM_001353958.2, NM_001353957.2); c.1560+1967C>T (NM_001353961.2).
Identifiers: ClinVar variation 3639205 (VCV003639205.2).

ClinVar aggregate classification (germline): Uncertain significance (1 of 4 stars; one submission).

Conditions:
Early-infantile DEE. Also called: Early infantile epileptic encephalopathy; Ohtahara syndrome; Early infantile epileptic encephalopathy with suppression bursts. Identifiers: Orphanet 1934, MedGen C0393706, MONDO:0800491.

Submission:

Labcorp Genetics (formerly Invitae), Labcorp
Classification: Uncertain significance for Early-infantile DEE. Last evaluated: 2025-01-13. Review status: criteria provided, single submitter. Criteria: Invitae Variant Classification Sherloc (09022015). Collection method: clinical testing. Allele origin: germline.
Comment: This sequence change falls in intron 20 of the SCN1A gene. It does not directly change the encoded amino acid sequence of the SCN1A protein. However, this sequence change falls within a region encompassing a cryptic exon in the SCN1A gene, in which variants have been shown to alter splicing (PMID: 30526861, 34107977). This variant is not present in population databases (gnomAD no frequency). This variant has not been reported in the literature in individuals affected with SCN1A-related conditions. Algorithms developed to predict the effect of sequence changes on RNA splicing suggest that this variant is not likely to affect RNA splicing. In summary, the available evidence is currently insufficient to determine the role of this variant in disease. Therefore, it has been classified as a Variant of Uncertain Significance.

Literature cited by the submitters: PubMed 30526861; PubMed 34107977.